The following is an entry in ClinVar:

NM_001035.3(RYR2):c.4434A>C (p.Glu1478Asp)

Gene: RYR2 (ryanodine receptor 2; plus strand). Cytogenetic location: 1q43.
Variant type: single nucleotide variant.
Coding change: c.4434A>C on transcript NM_001035.3 (MANE Select); coding-DNA position 4434, A replaced by C.
Protein change: p.Glu1478Asp; replaces glutamic acid 1478 with aspartic acid.
Molecular consequence: missense variant.
Genome position (GRCh38, 1-based): chr1:237,593,634, A>C. VCF-style: chr1-237593634-A-C. GRCh37 (hg19) VCF-style: chr1-237756934-A-C.
Other names: c.4434A>C (NM_001035.2); short protein forms E1478D.
Identifiers: ClinVar variation 2167976 (VCV002167976.5), dbSNP rs768594011, ClinGen allele CA086608.

ClinVar aggregate classification (germline): Uncertain significance. Review status: criteria provided, multiple submitters, no conflicts (2 of 4 stars). 2 submissions from 2 submitters: Uncertain significance (2). Last evaluated 2025-07-01.

Conditions:
Cardiovascular phenotype. Identifiers: MedGen CN230736.
Catecholaminergic polymorphic ventricular tachycardia 1. Also called: VENTRICULAR TACHYCARDIA, STRESS-INDUCED POLYMORPHIC 1; RYR2-Related Catecholaminergic Polymorphic Ventricular Tachycardia; VENTRICULAR TACHYCARDIA, CATECHOLAMINERGIC POLYMORPHIC, 1, WITH OR WITHOUT ATRIAL DYSFUNCTION AND/OR DILATED CARDIOMYOPATHY. Identifiers: Orphanet 3286, MedGen C1631597, MONDO:0011484, OMIM 604772.

Allele frequency attached by ClinVar (database versions not stated): TOPMed below 0.00001; ExAC 0.00001; gnomAD 0.00001; gnomAD exomes 0.00001.
gnomAD v4.1: 8 of 1,613,634 alleles (0.0005%); highest among the groups gnomAD compares: Non-Finnish European, 0.00068%; no homozygotes.

Submissions (2):

Labcorp Genetics (formerly Invitae), Labcorp
Classification: Uncertain significance for Catecholaminergic polymorphic ventricular tachycardia 1. Last evaluated: 2025-07-01. Review status: criteria provided, single submitter. Criteria: Invitae Variant Classification Sherloc (09022015). Collection method: clinical testing. Allele origin: germline.
Comment: This sequence change replaces glutamic acid, which is acidic and polar, with aspartic acid, which is acidic and polar, at codon 1478 of the RYR2 protein (p.Glu1478Asp). This variant is present in population databases (rs768594011, gnomAD 0.002%). This variant has not been reported in the literature in individuals affected with RYR2-related conditions. ClinVar contains an entry for this variant (Variation ID: 2167976). An algorithm developed to predict the effect of missense changes on protein structure and function (PolyPhen-2) suggests that this variant is likely to be tolerated. In summary, the available evidence is currently insufficient to determine the role of this variant in disease. Therefore, it has been classified as a Variant of Uncertain Significance.

Molecular Diagnostic Laboratory for Inherited Cardiovascular Disease, Montreal Heart Institute
Classification: Uncertain significance for Cardiovascular phenotype. Last evaluated: 2025-04-09. Review status: criteria provided, single submitter. Criteria: ACMG Guidelines, 2015. Collection method: clinical testing. Allele origin: germline. Affected: yes.
Comment: PM2, PP2